The following is an entry in ClinVar:

ClinVar aggregate classification (germline): Uncertain significance. Review status: criteria provided, multiple submitters, no conflicts (2 of 4 stars). 7 submissions from 7 submitters: Uncertain significance (6). 1 of the submissions does not count toward it. Last evaluated 2026-01-12.

Conditions:
KCNV2-related disorder. Also called: KCNV2-related condition.
Inborn genetic diseases. Identifiers: MedGen C0950123, MeSH D030342.
Cone dystrophy with supernormal rod response (CDSRR). Also called: CONE DYSTROPHY WITH SUPERNORMAL ROD RESPONSES. Identifiers: Orphanet 209932, MedGen C1835897, MONDO:0012475, OMIM 610356.
Retinal dystrophy. Also called: Inherited retinal dystrophy. Identifiers: Orphanet 71862, MedGen C0854723, MeSH D058499, MONDO:0019118, HP:0000556.

Allele frequency attached by ClinVar (database versions not stated): ExAC 0.00006; gnomAD 0.00007; TOPMed 0.00007; gnomAD exomes 0.00008.

Submissions (7):

Labcorp Genetics (formerly Invitae), Labcorp
Classification: Uncertain significance. Last evaluated: 2026-01-12. Review status: criteria provided, single submitter. Criteria: Invitae Variant Classification Sherloc (09022015). Collection method: clinical testing. Allele origin: germline.
Comment: This sequence change replaces methionine, which is neutral and non-polar, with leucine, which is neutral and non-polar, at codon 382 of the KCNV2 protein (p.Met382Leu). This variant is present in population databases (rs757516625, gnomAD 0.02%). This variant has not been reported in the literature in individuals affected with KCNV2-related conditions. ClinVar contains an entry for this variant (Variation ID: 366421). Invitae Evidence Modeling of protein sequence and biophysical properties (such as structural, functional, and spatial information, amino acid conservation, physicochemical variation, residue mobility, and thermodynamic stability) indicates that this missense variant is not expected to disrupt KCNV2 protein function with a negative predictive value of 95%. In summary, the available evidence is currently insufficient to determine the role of this variant in disease. Therefore, it has been classified as a Variant of Uncertain Significance.

PreventionGenetics, part of Exact Sciences
Classification: Uncertain significance for KCNV2-related condition. Last evaluated: 2026-01-05. Review status: criteria provided, single submitter. Criteria: ACMG Guidelines, 2015. Collection method: clinical testing. Allele origin: germline.
Comment: The KCNV2 c.1144A>T variant is predicted to result in the amino acid substitution p.Met382Leu. To our knowledge, this variant has not been reported in the literature. This variant is reported in 0.015% of alleles in individuals of European (Non-Finnish) descent in gnomAD. At this time, the clinical significance of this variant is uncertain due to the absence of conclusive functional and genetic evidence.

Ambry Genetics
Classification: Uncertain significance for Inborn genetic diseases. Last evaluated: 2025-01-21. Review status: criteria provided, single submitter. Criteria: Ambry Variant Classification Scheme 2023. Collection method: clinical testing. Allele origin: germline.

Blueprint Genetics
Classification: Uncertain significance. Last evaluated: 2024-11-25. Review status: criteria provided, single submitter. Criteria: ACMG Guidelines, 2015. Collection method: clinical testing. Allele origin: germline.

Illumina Laboratory Services, Illumina
Classification: Uncertain significance for Cone dystrophy with supernormal rod response. Last evaluated: 2018-01-13. Review status: criteria provided, single submitter. Criteria: ICSL Variant Classification Criteria 13 December 2019. Collection method: clinical testing. Allele origin: germline.

CeGaT Center for Human Genetics Tuebingen
Classification: Uncertain significance. Last evaluated: 2016-06-01. Review status: criteria provided, single submitter. Criteria: CeGaT Center For Human Genetics Tuebingen Variant Classification Criteria Version 2. Collection method: clinical testing. Allele origin: germline. Affected: yes. Observed: 1 variant allele.

Institute of Human Genetics, Univ. Regensburg, Univ. Regensburg
Classification: Uncertain significance for Retinal dystrophy. Last evaluated: 2023-01-01. Review status: no assertion criteria provided. Criteria: ACMG Guidelines, 2015. Collection method: clinical testing. Allele origin: germline. Affected: yes. Not counted in ClinVar's aggregate classification.

NM_133497.4(KCNV2):c.1144A>T (p.Met382Leu)

Gene: KCNV2 (potassium voltage-gated channel modifier subfamily V member 2; plus strand). Cytogenetic location: 9p24.2.
Variant type: single nucleotide variant.
Coding change: c.1144A>T on transcript NM_133497.4 (MANE Select); coding-DNA position 1144, A replaced by T.
Protein change: p.Met382Leu; replaces methionine 382 with leucine.
Molecular consequence: missense variant.
Genome position (GRCh38, 1-based): chr9:2,718,883, A>T. VCF-style: chr9-2718883-A-T. GRCh37 (hg19) VCF-style: chr9-2718883-A-T.
Other names: short protein forms M382L.
Identifiers: ClinVar variation 366421 (VCV000366421.56), dbSNP rs757516625, ClinGen allele CA4965790.
Genomic context (GRCh38, chr9:2,718,883, plus strand): 5'-CGCGGCCAGACGGTGGGCAGCGTGGGTAAGGTGGGTCAGGTGTTGCGCGTCATGCGCCTC[A>T]TGCGCATCTTCCGCATCCTCAAGCTGGCGCGCCACTCCACCGGACTGCGTGCCTTCGGCT-3'
Protein context (NP_598004.1, residues 372-392): VGQVLRVMRL[Met382Leu]RIFRILKLAR